The following is an entry in ClinVar:

NM_000174.5(GP9):c.470T>C (p.Val157Ala)

Gene: GP9 (glycoprotein IX platelet; plus strand). Cytogenetic location: 3q21.3.
Variant type: single nucleotide variant.
Coding change: c.470T>C on transcript NM_000174.5 (MANE Select); coding-DNA position 470, T replaced by C.
Protein change: p.Val157Ala; replaces valine 157 with alanine.
Molecular consequence: missense variant.
Genome position (GRCh38, 1-based): chr3:129,062,209, T>C. VCF-style: chr3-129062209-T-C. GRCh37 (hg19) VCF-style: chr3-128781052-T-C.
Other names: short protein forms V157A.
Identifiers: ClinVar variation 3339408 (VCV003339408.2).
Genomic context (GRCh38, chr3:129,062,209, plus strand): 5'-GGCAGCTGCAGGCGTCCTGGGTGCGCCCGGGGGTCTTGTGGGACGTGGCGCTGGTCGCCG[T>C]GGCCGCGCTGGGCCTGGCTCTTCTGGCTGGCCTGCTGTGTGCCACCACAGAGGCCCTGGA-3'
Protein context (NP_000165.1, residues 147-167): GVLWDVALVA[Val157Ala]AALGLALLAG

ClinVar aggregate classification (germline): Uncertain significance. Review status: criteria provided, multiple submitters, no conflicts (2 of 4 stars). 2 submissions from 2 submitters: Uncertain significance (2). Last evaluated 2024-07-22.

gnomAD v4.1: 128 of 1,565,270 alleles (0.0082%); highest among the groups gnomAD compares: Non-Finnish European, 0.011%; no homozygotes.

Submissions (2):

Women's Health and Genetics/Laboratory Corporation of America, LabCorp
Classification: Uncertain significance. Last evaluated: 2024-07-22. Review status: criteria provided, single submitter. Criteria: LabCorp Variant Classification Summary - May 2015. Collection method: clinical testing. Allele origin: germline.
Comment: Variant summary: GP9 c.470T>C (p.Val157Ala) results in a non-conservative amino acid change in the encoded protein sequence. Four of five in-silico tools predict a benign effect of the variant on protein function. The variant allele was found at a frequency of 1.9e-05 in 161536 control chromosomes. The available data on variant occurrences in the general population are insufficient to allow any conclusion about variant significance. To our knowledge, no occurrence of c.470T>C in individuals affected with Bernard Soulier Syndrome and no experimental evidence demonstrating its impact on protein function have been reported. No submitters have cited clinical-significance assessments for this variant to ClinVar. Based on the evidence outlined above, the variant was classified as uncertain significance.

Labcorp Genetics (formerly Invitae), Labcorp
Classification: Uncertain significance. Last evaluated: 2024-03-19. Review status: criteria provided, single submitter. Criteria: Invitae Variant Classification Sherloc (09022015). Collection method: clinical testing. Allele origin: germline.
Comment: This sequence change replaces valine, which is neutral and non-polar, with alanine, which is neutral and non-polar, at codon 157 of the GP9 protein (p.Val157Ala). This variant is present in population databases (rs543753307, gnomAD 0.005%). This variant has not been reported in the literature in individuals affected with GP9-related conditions. An algorithm developed to predict the effect of missense changes on protein structure and function (PolyPhen-2) suggests that this variant¬†is likely to be tolerated. In summary, the available evidence is currently insufficient to determine the role of this variant in disease. Therefore, it has been classified as a Variant of Uncertain Significance.